The following is an entry in ClinVar:

NM_013275.6(ANKRD11):c.2716C>T (p.Arg906Ter)

Gene: ANKRD11 (ankyrin repeat domain 11; minus strand). Cytogenetic location: 16q24.3.
Variant type: single nucleotide variant.
Coding change: c.2716C>T on transcript NM_013275.6 (MANE Select); coding-DNA position 2716, C replaced by T.
Protein change: p.Arg906Ter; replaces arginine 906 with a stop codon.
Molecular consequence: nonsense.
Genome position (GRCh38, 1-based): chr16:89,283,826, G>A on the plus strand (C>T on the coding strand, the complement: ANKRD11 is on the minus strand). VCF-style: chr16-89283826-G-A. GRCh37 (hg19) VCF-style: chr16-89350234-G-A.
Other names: NP_037407.4:p.(Arg906Ter); c.2716C>T, p.Arg906Ter (NM_001256182.2, NM_001256183.2); c.2716C>T (NM_013275.4); short protein forms R906*.
Identifiers: ClinVar variation 807371 (VCV000807371.13), dbSNP rs929007085, ClinGen allele CA397161447.

ClinVar aggregate classification (germline): Pathogenic. Review status: criteria provided, multiple submitters, no conflicts (2 of 4 stars). 9 submissions from 9 submitters: Pathogenic (8). 1 of the submissions does not count toward it. Last evaluated 2026-07-05.

Conditions:
Inborn genetic diseases. Identifiers: MedGen C0950123, MeSH D030342.
KBG syndrome (KBGS). Also called: ANKRD11-Related KBG Syndrome. Identifiers: Orphanet 2332, MedGen C0220687, MONDO:0007846, OMIM 148050.
Monogenic short statue.

Submissions (9):

Umrani?ye Training and Research Hospital
Classification: Pathogenic for KBG syndrome. Last evaluated: 2026-07-05. Review status: criteria provided, single submitter. Criteria: ACMG Guidelines, 2015. Collection method: clinical testing. Allele origin: germline. Inheritance: Autosomal dominant inheritance. Affected: yes.
Comment: PVS1, PM2

3billion
Classification: Pathogenic for KBG syndrome. Last evaluated: 2026-01-07. Review status: criteria provided, single submitter. Criteria: ACMG Guidelines, 2015. Collection method: clinical testing. Allele origin: germline. Affected: yes.
Comment: The variant is not observed in the gnomAD v4.1.0 dataset. Predicted Consequence/Location: Stop-gained (nonsense): predicted to result in a loss or disruption of normal protein function through nonsense-mediated decay (NMD) or protein truncation. Multiple pathogenic variants are reported downstream of the variant. The variant has been reported at least twice as pathogenic with clinical assertions and evidence for the classification (ClinVar ID: VCV000807371 /PMID: 26633542). Therefore, this variant is classified as Pathogenic according to the recommendation of ACMG/AMP guideline.

NHS Central & South Genomic Laboratory Hub
Classification: Pathogenic for Monogenic short statue. Last evaluated: 2025-10-21. Review status: criteria provided, single submitter. Criteria: ACMG Guidelines, 2015. Collection method: clinical testing. Allele origin: germline. Affected: yes.

Ambry Genetics
Classification: Pathogenic for Inborn genetic diseases. Last evaluated: 2025-01-30. Review status: criteria provided, single submitter. Criteria: Ambry Variant Classification Scheme 2023. Collection method: clinical testing. Allele origin: germline.
Comment: The c.2716C>T (p.R906*) alteration, located in exon 9 (coding exon 7) of the ANKRD11 gene, consists of a C to T substitution at nucleotide position 2716. This changes the amino acid from an arginine (R) to a stop codon at amino acid position 906. This alteration is expected to result in loss of function by premature protein truncation or nonsense-mediated mRNA decay. This variant was not reported in population-based cohorts in the Genome Aggregation Database (gnomAD). Based on the available evidence, this alteration is classified as pathogenic.

Labcorp Genetics (formerly Invitae), Labcorp
Classification: Pathogenic for KBG syndrome. Last evaluated: 2024-04-29. Review status: criteria provided, single submitter. Criteria: Invitae Variant Classification Sherloc (09022015). Collection method: clinical testing. Allele origin: germline.
Comment: This sequence change creates a premature translational stop signal (p.Arg906*) in the ANKRD11 gene. It is expected to result in an absent or disrupted protein product. Loss-of-function variants in ANKRD11 are known to be pathogenic (PMID: 21782149, 25125236, 25413698, 25652421). This variant is not present in population databases (gnomAD no frequency). This premature translational stop signal has been observed in individual(s) with ANKRD11-related conditions (PMID: 26633542). ClinVar contains an entry for this variant (Variation ID: 807371). For these reasons, this variant has been classified as Pathogenic.

Daryl Scott Lab, Baylor College of Medicine
Classification: Pathogenic for KBG syndrome. Last evaluated: 2024-01-01. Review status: criteria provided, single submitter. Criteria: ACMG Guidelines, 2015. Collection method: clinical testing. Allele origin: unknown. Affected: yes. Observed: 1 heterozygote.
Comment: the same text as in the submission from Umrani?ye Training and Research Hospital above.

Institute for Medical Genetics and Human Genetics, Charité - Universitätsmedizin Berlin
Classification: Pathogenic for KBG syndrome. Last evaluated: 2022-09-22. Review status: criteria provided, single submitter. Criteria: ACMG Guidelines, 2015. Collection method: clinical testing. Allele origin: germline. Inheritance: Autosomal dominant inheritance. Affected: yes. Observed: 1 heterozygote.

Institute of Human Genetics Munich, TUM University Hospital
Classification: Pathogenic for KBG syndrome. Last evaluated: 2019-08-16. Review status: criteria provided, single submitter. Criteria: Classification criteria August 2017. Collection method: clinical testing. Allele origin: de novo. Inheritance: Autosomal dominant inheritance. Affected: yes. Observed: 1 heterozygote.

Genetic Services Laboratory, University of Chicago
Classification: Likely pathogenic. Last evaluated: 2022-10-31. Review status: no assertion criteria provided. Collection method: clinical testing. Allele origin: germline. Affected: yes. Not counted in ClinVar's aggregate classification.
Comment: DNA sequence analysis of the ANKRD11 gene demonstrated a sequence change, c.2716C>T, which results in the creation of a premature stop codon at amino acid position 906, p.ARG906*. This likely pathogenic sequence change is predicted to result in an abnormal transcript, which may be degraded, or may lead to the production of a truncated ANKRD11 protein with potentially abnormal function. This sequence change does not appear to have been previously described in population databases such as ExAC and gnomAD. This likely pathogenic sequence change has been described in one individual with multiple congenital anomalies, however, no additional phenotypic or inheritance information was provided (PMID: 26633542). Other truncating variants in the ANKRD11 gene have been reported in individuals with ANKRD11-related disorders (PMID: 31191201, 32124548). This likely pathogenic sequence change is the most likely cause of this individual's phenotype

Literature cited by the submitters: PubMed 42808190 (cited by Umrani?ye Training and Research Hospital); PubMed 26633542 (cited by 3billion and Labcorp Genetics (formerly Invitae), Labcorp); PubMed 39039281 (cited by Ambry Genetics); PubMed 21782149 (cited by Labcorp Genetics (formerly Invitae), Labcorp); PubMed 25125236 (cited by Labcorp Genetics (formerly Invitae), Labcorp); PubMed 25413698 (cited by Labcorp Genetics (formerly Invitae), Labcorp); PubMed 25652421 (cited by Labcorp Genetics (formerly Invitae), Labcorp).